The following is an entry in ClinVar:

NM_000235.4(LIPA):c.479_480del (p.Leu160fs)

Gene: LIPA (lipase A, lysosomal acid type; minus strand). Cytogenetic location: 10q23.31.
Variant type: Deletion.
Coding change: c.479_480del on transcript NM_000235.4 (MANE Select); coding-DNA positions 479 to 480, 2 bases deleted (TG; older notation c.479_480delTG).
Protein change: p.Leu160fs; shifts the reading frame from leucine 160.
Molecular consequence: frameshift variant.
Genome position (GRCh38, 1-based): chr10:89,226,953-89,226,954, CA deleted on the plus strand (TG on the coding strand, the reverse complement: LIPA is on the minus strand). VCF-style (leftmost placement, unchanged base first): chr10-89226952-TCA-T. GRCh37 (hg19) VCF-style: chr10-90986709-TCA-T.
Other names: c.479_480del, p.Leu160fs (NM_001127605.3); c.131_132del, p.Leu44fs (NM_001288979.2); short protein forms L160fs, L44fs.
Identifiers: ClinVar variation 1724642 (VCV001724642.2), dbSNP rs2495591071, ClinGen allele CA2580082272.

ClinVar aggregate classification (germline): Likely pathogenic (1 of 4 stars; one submission).

Conditions:
Lysosomal acid lipase deficiency. Also called: Acid cholesteryl ester hydrolase deficiency, type 2. Identifiers: Orphanet 275761, MedGen C5574740, MONDO:0800449, MONDO:0010204.

Submission:

Myriad Genetics, Inc.
Classification: Likely pathogenic for Cholesteryl ester storage disease. Last evaluated: 2022-02-24. Review status: criteria provided, single submitter. Criteria: Myriad Women's Health Autosomal Recessive and X-Linked Classification Criteria (2021). Collection method: clinical testing. Allele origin: unknown.
Comment: NM_000235.2(LIPA):c.479_480delTG(L160Qfs*2) is expected to be pathogenic in the context of lysosomal acid lipase deficiency. This variant is predicted to lead to an abnormal or absent protein product due to the creation of a premature termination codon in LIPA, a gene where loss-of-function variants are known to be pathogenic. Please note: this variant was assessed in the context of healthy population screening.